The following is an entry in ClinVar:

ClinVar aggregate classification (germline): Likely benign. Review status: criteria provided, multiple submitters, no conflicts (2 of 4 stars). 2 submissions from 2 submitters: Likely benign (2). Last evaluated 2026-06-26.

Conditions:
Sessile serrated polyposis cancer syndrome (SSPCS). Identifiers: Orphanet 157798, MedGen C4310714, MONDO:0014919, OMIM 617108.

Allele frequency attached by ClinVar (database versions not stated): TOPMed 0.00004; ExAC 0.00001; gnomAD 0.00001.
gnomAD v4.1: 6 of 1,606,264 alleles (0.00037%); highest among the groups gnomAD compares: East Asian, 0.011%; no homozygotes.

Submissions (2):

Myriad Genetics, Inc.
Classification: Likely benign for Sessile serrated polyposis cancer syndrome. Last evaluated: 2026-06-26. Review status: criteria provided, single submitter. Criteria: Myriad Autosomal Dominant, Autosomal Recessive and X-Linked Classification Criteria (2023). Collection method: clinical testing. Allele origin: unknown.
Comment: This variant is considered likely benign. This variant is intronic and is not expected to impact mRNA splicing.

Labcorp Genetics (formerly Invitae), Labcorp
Classification: Likely benign. Last evaluated: 2023-06-28. Review status: criteria provided, single submitter. Criteria: Invitae Variant Classification Sherloc (09022015). Collection method: clinical testing. Allele origin: germline.

NM_017763.6(RNF43):c.376-15T>C

Gene: RNF43 (ring finger protein 43; minus strand). Cytogenetic location: 17q22.
Variant type: single nucleotide variant.
Coding change: c.376-15T>C on transcript NM_017763.6 (MANE Select); 15 bases into the intron before coding-DNA position 376, T replaced by C.
Molecular consequence: intron variant.
Genome position (GRCh38, 1-based): chr17:58,363,615, A>G on the plus strand (T>C on the coding strand, the complement: RNF43 is on the minus strand). VCF-style: chr17-58363615-A-G. GRCh37 (hg19) VCF-style: chr17-56440976-A-G.
Other names: c.376-15T>C (NM_001438822.1, NM_001305544.3, NM_001438820.1 and 1 more transcripts); c.-6-15T>C (NM_001305545.2, NM_001437987.1).
Identifiers: ClinVar variation 2428475 (VCV002428475.6), dbSNP rs771973438, ClinGen allele CA8673445.